The following is an entry in ClinVar:

ClinVar aggregate classification (germline): Uncertain significance. Review status: criteria provided, multiple submitters, no conflicts (2 of 4 stars). 2 submissions from 2 submitters: Uncertain significance (2). Last evaluated 2025-11-06.

Allele frequency attached by ClinVar (database versions not stated): TOPMed 0.00001; 1000 Genomes Project 0.00020; gnomAD 0.00001; 1000 Genomes Project 30x 0.00031; gnomAD exomes below 0.00001; ExAC 0.00001.
gnomAD v4.1: 6 of 1,542,264 alleles (0.00039%); highest among the groups gnomAD compares: Admixed American, 0.0056%; no homozygotes.

Submissions (2):

Ambry Genetics
Classification: Uncertain significance. Last evaluated: 2025-11-06. Review status: criteria provided, single submitter. Criteria: Ambry Variant Classification Scheme 2023. Collection method: clinical testing. Allele origin: germline.

Labcorp Genetics (formerly Invitae), Labcorp
Classification: Uncertain significance. Last evaluated: 2021-12-13. Review status: criteria provided, single submitter. Criteria: Invitae Variant Classification Sherloc (09022015). Collection method: clinical testing. Allele origin: germline.
Comment: This sequence change replaces alanine, which is neutral and non-polar, with threonine, which is neutral and polar, at codon 72 of the CCDC88A protein (p.Ala72Thr). This variant is present in population databases (rs575082712, gnomAD 0.004%). This variant has not been reported in the literature in individuals affected with CCDC88A-related conditions. Algorithms developed to predict the effect of missense changes on protein structure and function (SIFT, PolyPhen-2, Align-GVGD) all suggest that this variant is likely to be tolerated. In summary, the available evidence is currently insufficient to determine the role of this variant in disease. Therefore, it has been classified as a Variant of Uncertain Significance.

NM_001365480.1(CCDC88A):c.214G>A (p.Ala72Thr)

Gene: CCDC88A (coiled-coil and HOOK domain protein 88A; minus strand). Cytogenetic location: 2p16.1.
Variant type: single nucleotide variant.
Coding change: c.214G>A on transcript NM_001365480.1 (MANE Select); coding-DNA position 214, G replaced by A.
Protein change: p.Ala72Thr; replaces alanine 72 with threonine.
Molecular consequence: missense variant.
Genome position (GRCh38, 1-based): chr2:55,388,837, C>T on the plus strand (G>A on the coding strand, the complement: CCDC88A is on the minus strand). VCF-style: chr2-55388837-C-T. GRCh37 (hg19) VCF-style: chr2-55615973-C-T.
Other names: c.214G>A, p.Ala72Thr (NM_001135597.2, NM_001254943.2, NM_018084.5); c.214G>A (NM_001135597.1); short protein forms A72T.
Identifiers: ClinVar variation 1984368 (VCV001984368.2), dbSNP rs575082712, ClinGen allele CA1666469.